The following is an entry in ClinVar:

ClinVar aggregate classification (germline): Uncertain significance (1 of 4 stars; one submission).

Conditions:
Neurofibromatosis, type 1 (NF1). Also called: Peripheral type neurofibromatosis; Neurofibromatosis, type I; NEUROFIBROMATOSIS, TYPE I, SOMATIC; VON RECKLINGHAUSEN DISEASE. Identifiers: Orphanet 636, MedGen C0027831, MONDO:0018975, OMIM 162200. Disease mechanism: loss of function.

Submission:

Labcorp Genetics (formerly Invitae), Labcorp
Classification: Uncertain significance for Neurofibromatosis, type 1. Last evaluated: 2021-08-10. Review status: criteria provided, single submitter. Criteria: Invitae Variant Classification Sherloc (09022015). Collection method: clinical testing. Allele origin: germline.
Comment: Advanced modeling of protein sequence and biophysical properties (such as structural, functional, and spatial information, amino acid conservation, physicochemical variation, residue mobility, and thermodynamic stability) performed at Invitae indicates that this missense variant is expected to disrupt NF1 protein function. In summary, the available evidence is currently insufficient to determine the role of this variant in disease. Therefore, it has been classified as a Variant of Uncertain Significance. This variant has not been reported in the literature in individuals affected with NF1-related conditions. This variant is not present in population databases (ExAC no frequency). This sequence change replaces glycine with glutamic acid at codon 2506 of the NF1 protein (p.Gly2506Glu). The glycine residue is highly conserved and there is a moderate physicochemical difference between glycine and glutamic acid.

NM_001042492.3(NF1):c.7580G>A (p.Gly2527Glu)

Gene: NF1 (neurofibromin 1; plus strand). Cytogenetic location: 17q11.2.
Variant type: single nucleotide variant.
Coding change: c.7580G>A on transcript NM_001042492.3 (MANE Select); coding-DNA position 7580, G replaced by A.
Protein change: p.Gly2527Glu; replaces glycine 2527 with glutamic acid.
Molecular consequence: missense variant.
Genome position (GRCh38, 1-based): chr17:31,352,379, G>A. VCF-style: chr17-31352379-G-A. GRCh37 (hg19) VCF-style: chr17-29679397-G-A.
Other names: c.7517G>A, p.Gly2506Glu (NM_000267.4); short protein forms G2527E, G2506E.
Identifiers: ClinVar variation 1373897 (VCV001373897.6), dbSNP rs2151577339, ClinGen allele CA399017771.